The following is an entry in ClinVar:

NM_138370.3(PKDCC):c.881C>T (p.Thr294Met)

Gene: PKDCC (protein kinase domain containing, cytoplasmic; plus strand). Cytogenetic location: 2p21.
Variant type: single nucleotide variant.
Coding change: c.881C>T on transcript NM_138370.3 (MANE Select); coding-DNA position 881, C replaced by T.
Protein change: p.Thr294Met; replaces threonine 294 with methionine.
Molecular consequence: missense variant.
Genome position (GRCh38, 1-based): chr2:42,054,154, C>T. VCF-style: chr2-42054154-C-T. GRCh37 (hg19) VCF-style: chr2-42281294-C-T.
Other names: short protein forms T294M.
Identifiers: ClinVar variation 2031018 (VCV002031018.3), dbSNP rs1207203094, ClinGen allele CA346624084.

ClinVar aggregate classification (germline): Uncertain significance (1 of 4 stars; one submission).

Allele frequency attached by ClinVar (database versions not stated): gnomAD exomes below 0.00001; gnomAD 0.00001.
gnomAD v4.1: 4 of 1,612,994 alleles (0.00025%); highest among the groups gnomAD compares: East Asian, 0.0022%; no homozygotes.

Submission:

Labcorp Genetics (formerly Invitae), Labcorp
Classification: Uncertain significance. Last evaluated: 2022-01-07. Review status: criteria provided, single submitter. Criteria: Invitae Variant Classification Sherloc (09022015). Collection method: clinical testing. Allele origin: germline.
Comment: This variant is present in population databases (no rsID available, gnomAD 0.003%). This variant has not been reported in the literature in individuals affected with PKDCC-related conditions. Algorithms developed to predict the effect of missense changes on protein structure and function (SIFT, PolyPhen-2, Align-GVGD) all suggest that this variant is likely to be disruptive. In summary, the available evidence is currently insufficient to determine the role of this variant in disease. Therefore, it has been classified as a Variant of Uncertain Significance. This sequence change replaces threonine, which is neutral and polar, with methionine, which is neutral and non-polar, at codon 294 of the PKDCC protein (p.Thr294Met).